The following is an entry in ClinVar:

Conditions:
Breast-ovarian cancer, familial, susceptibility to, 1 (BROVCA1). Also called: BRCA1 Hereditary Breast and Ovarian Cancer; OVARIAN CANCER, SUSCEPTIBILITY TO. Identifiers: Orphanet 145, MedGen C2676676, MONDO:0011450, OMIM 604370. Disease mechanism: loss of function.

Submission:

Brotman Baty Institute, University of Washington
No classification provided (evidence only). Condition: Breast-ovarian cancer, familial 1. Review status: no classification provided. Collection method: in vitro. Allele origin: not applicable. Functional consequence: functionally_normal.
ClinVar note: "not provided" was previously submitted as the classification for the variant. However, the classification appeared to be based only on an observation of functional data so it was converted to no classification on 2025-07-30.

NM_007294.4(BRCA1):c.5406+18T>C

Gene: BRCA1 (BRCA1 DNA repair associated; minus strand). Cytogenetic location: 17q21.31.
Variant type: single nucleotide variant.
Coding change: c.5406+18T>C on transcript NM_007294.4 (MANE Select); 18 bases into the intron after coding-DNA position 5406, T replaced by C.
Molecular consequence: intron variant.
Genome position (GRCh38, 1-based): chr17:43,049,103, A>G on the plus strand (T>C on the coding strand, the complement: BRCA1 is on the minus strand). VCF-style: chr17-43049103-A-G. GRCh37 (hg19) VCF-style: chr17-41201120-A-G.
Other names: c.1953+18T>C (NM_001408458.1, NM_001408461.1, NM_001408464.1 and 7 more transcripts); c.4515+18T>C (NM_001407967.1); c.5025+18T>C (NM_001407959.1); c.5139+18T>C (NM_001407931.1, NM_001407932.1, NM_001407928.1 and 4 more transcripts); c.5262+18T>C (NM_001407747.1, NM_001407745.1, NM_001407737.1 and 18 more transcripts); c.5022+18T>C (NM_001407962.1, NM_001407960.1); c.1593+18T>C (NM_001408512.1); c.1716+18T>C (NM_001408510.1); and 84 more.
Identifiers: ClinVar variation 865725 (VCV000865725.3), dbSNP rs2051068172, ClinGen allele CA916080809.